The following is an entry in ClinVar:

NM_001080453.3(INTS1):c.4796C>T (p.Pro1599Leu)

Gene: INTS1 (integrator complex subunit 1; minus strand). Cytogenetic location: 7p22.3.
Variant type: single nucleotide variant.
Coding change: c.4796C>T on transcript NM_001080453.3 (MANE Select); coding-DNA position 4796, C replaced by T.
Protein change: p.Pro1599Leu; replaces proline 1599 with leucine.
Molecular consequence: missense variant.
Genome position (GRCh38, 1-based): chr7:1,477,771, G>A on the plus strand (C>T on the coding strand, the complement: INTS1 is on the minus strand). VCF-style: chr7-1477771-G-A. GRCh37 (hg19) VCF-style: chr7-1517407-G-A.
Other names: c.1313C>T, p.Pro438Leu (NM_015674.1); short protein forms P1599L, P438L.
Identifiers: ClinVar variation 3052753 (VCV003052753.2), dbSNP rs147391129, ClinGen allele CA4118710.

ClinVar aggregate classification (germline): Likely benign (0 of 4 stars; one submission).

Conditions:
INTS1-related disorder. Also called: INTS1-related condition.

Allele frequency attached by ClinVar (database versions not stated): gnomAD exomes 0.00028; ExAC 0.00058; gnomAD 0.00157; TOPMed 0.00171; ESP Exome Variant Server 0.00209; 1000 Genomes Project 30x 0.00297; 1000 Genomes Project 0.00300.
gnomAD v4.1: 674 of 1,612,338 alleles (0.042%); highest among the groups gnomAD compares: African/African-American, 0.5%; no homozygotes.

Submission:

PreventionGenetics, part of Exact Sciences
Classification: Likely benign for INTS1-related condition. Last evaluated: 2019-08-13. Review status: no assertion criteria provided. Collection method: clinical testing. Allele origin: germline.
Comment: This variant is classified as likely benign based on ACMG/AMP sequence variant interpretation guidelines (Richards et al. 2015 PMID: 25741868, with internal and published modifications).